The following is an entry in ClinVar:

ClinVar aggregate classification (germline): Uncertain significance (1 of 4 stars; one submission).

Conditions:
Cardiovascular phenotype. Identifiers: MedGen CN230736.

gnomAD v4.1: 4 of 1,614,178 alleles (0.00025%); highest among the groups gnomAD compares: Non-Finnish European, 0.00034%; no homozygotes.

Submission:

Ambry Genetics
Classification: Uncertain significance for Cardiovascular phenotype. Last evaluated: 2025-03-27. Review status: criteria provided, single submitter. Criteria: Ambry Variant Classification Scheme 2023. Collection method: clinical testing. Allele origin: germline.
Comment: The p.G1050R variant (also known as c.3148G>A), located in coding exon 21 of the ABCA1 gene, results from a G to A substitution at nucleotide position 3148. The glycine at codon 1050 is replaced by arginine, an amino acid with dissimilar properties. This amino acid position is highly conserved in available vertebrate species. In addition, this alteration is predicted to be deleterious by in silico analysis. Based on the available evidence, the clinical significance of this variant remains unclear.

NM_005502.4(ABCA1):c.3148G>A (p.Gly1050Arg)

Gene: ABCA1 (ATP binding cassette subfamily A member 1; minus strand). Cytogenetic location: 9q31.1.
Variant type: single nucleotide variant.
Coding change: c.3148G>A on transcript NM_005502.4 (MANE Select); coding-DNA position 3148, G replaced by A.
Protein change: p.Gly1050Arg; replaces glycine 1050 with arginine.
Molecular consequence: missense variant.
Genome position (GRCh38, 1-based): chr9:104,819,679, C>T on the plus strand (G>A on the coding strand, the complement: ABCA1 is on the minus strand). VCF-style: chr9-104819679-C-T. GRCh37 (hg19) VCF-style: chr9-107581960-C-T.
Other names: short protein forms G1050R.
Identifiers: ClinVar variation 3934167 (VCV003934167.1).
Genomic context (GRCh38, chr9:104,819,679, plus strand): 5'-CCCTGCGGGAGTAAGGGTCCACACCAGCTGTGGGTTCATCCAGAATGACAACCTTAGATC[C>T]CCCGACAAAGGCCAAGGCCACAGATAGCTTTCTCTGCATTCCACCTACAAAAAAACAGAG-3'
Protein context (NP_005493.2, residues 1040-1060): KLSVALAFVG[Gly1050Arg]SKVVILDEPT